The following is an entry in ClinVar:

ClinVar aggregate classification (germline): Conflicting classifications of pathogenicity. Review status: criteria provided, conflicting classifications (1 of 4 stars). 5 submissions from 5 submitters: Pathogenic (3); Likely pathogenic (1); Uncertain significance (1). Last evaluated 2026-08-19.

Conditions:
Vitelliform macular dystrophy 2. Also called: Best Macular Dystrophy; MACULAR DEGENERATION, POLYMORPHIC VITELLINE; VITELLIFORM MACULAR DYSTROPHY, EARLY-ONSET; VITELLIFORM MACULAR DYSTROPHY, JUVENILE-ONSET; Best vitelliform macular dystrophy, multifocal; Best Vitelliform Macular Dystrophy (BVMD). Identifiers: Orphanet 1243, MedGen C2745945, MONDO:0007931, OMIM 153700.
BEST1-related disorder. Also called: BEST1-related condition; BEST1-related disorders. Identifiers: MedGen CN239200.

Allele frequency attached by ClinVar (database versions not stated): ExAC 0.00001; gnomAD exomes 0.00002 and 0.00005; gnomAD 0.00006 and 0.00007; ESP Exome Variant Server 0.00008; TOPMed 0.00010.
gnomAD v4.1: 45 of 1,613,668 alleles (0.0028%); highest among the groups gnomAD compares: Admixed American, 0.03%; no homozygotes.

Submissions (5):

PreventionGenetics, part of Exact Sciences
Classification: Pathogenic for BEST1-related condition. Last evaluated: 2026-08-19. Review status: criteria provided, single submitter. Criteria: ACMG Guidelines, 2015. Collection method: clinical testing. Allele origin: germline.
Comment: The BEST1 c.2T>C variant is predicted to disrupt the translation initiation site (Start loss). This variant has been reported in the compound heterozygous or homozygous state in individuals with autosomal recessive bestrophinopathy (see, for example, Burgess et al. 2008. PubMed ID: 18179881; supplementary data, Del Pozo-Valero et al. 2022. PubMed ID: 35119454; supplementary data, reported as p.Met265Thr, Holtan et al. 2020. PubMed ID: 31429209). This variant was also described, along with a second variant in BEST1, in individuals with retinal disease (supplementary data, Lin et al. 2024. PubMed ID: 38219857). The variant has been shown to impact protein localization (Figure S3, Johnson et al. 2014. PubMed ID: 24560797) and reduces chloride channel activity (Davidson et al. 2011. PubMed ID: 21330666). To our knowledge, this variant has not been reported in association with autosomal dominant disease. This variant is reported in 0.023% of alleles in individuals of Latino descent in gnomAD. This variant is interpreted as pathogenic for autosomal recessive BEST1-related disease.

Blueprint Genetics
Classification: Pathogenic for BEST1-related disorders. Last evaluated: 2024-10-08. Review status: criteria provided, single submitter. Criteria: ACMG Guidelines, 2015. Collection method: clinical testing. Allele origin: germline. Affected: yes. Observed: 5 variant alleles.

Labcorp Genetics (formerly Invitae), Labcorp
Classification: Pathogenic. Last evaluated: 2022-07-14. Review status: criteria provided, single submitter. Criteria: Invitae Variant Classification Sherloc (09022015). Collection method: clinical testing. Allele origin: germline.
Comment: ClinVar contains an entry for this variant (Variation ID: 1065753). This sequence change replaces methionine, which is neutral and non-polar, with threonine, which is neutral and polar, at codon 325 of the BEST1 protein (p.Met325Thr). This variant is present in population databases (rs368387447, gnomAD 0.02%). This missense change has been observed in individual(s) with autosomal recessive bestrophinopathy (PMID: 18179881). In at least one individual the data is consistent with being in trans (on the opposite chromosome) from a pathogenic variant. It has also been observed to segregate with disease in related individuals. Advanced modeling of protein sequence and biophysical properties (such as structural, functional, and spatial information, amino acid conservation, physicochemical variation, residue mobility, and thermodynamic stability) performed at Invitae indicates that this missense variant is expected to disrupt BEST1 protein function. Experimental studies have shown that this missense change affects BEST1 function (PMID: 21330666, 24560797). For these reasons, this variant has been classified as Pathogenic.

Ocular Genomics Institute, Massachusetts Eye and Ear
Classification: Uncertain significance for Vitelliform macular dystrophy 2. Last evaluated: 2021-04-08. Review status: criteria provided, single submitter. Criteria: ACMG Guidelines, 2015. Collection method: research. Allele origin: germline. Affected: yes.
Comment: Through a review of available evidence we were able to apply the following criteria: PM2, PP3. Based on this evidence we have classified this variant as Variant of Uncertain Significance.

Clinical Genetics Service, Universitary Hospital 12 de Octubre
Classification: Likely pathogenic for Vitelliform macular dystrophy 2. Review status: criteria provided, single submitter. Criteria: ACMG Guidelines, 2015. Collection method: clinical testing. Allele origin: germline. Affected: yes.

Literature cited by the submitters: PubMed 18179881 (cited by Labcorp Genetics (formerly Invitae), Labcorp); PubMed 21330666 (cited by Labcorp Genetics (formerly Invitae), Labcorp); PubMed 24560797 (cited by Labcorp Genetics (formerly Invitae), Labcorp).

NM_004183.4(BEST1):c.974T>C (p.Met325Thr)

Gene: BEST1 (bestrophin 1; plus strand). Cytogenetic location: 11q12.3.
Variant type: single nucleotide variant.
Coding change: c.974T>C on transcript NM_004183.4 (MANE Select); coding-DNA position 974, T replaced by C.
Protein change: p.Met325Thr; replaces methionine 325 with threonine.
Molecular consequence: missense variant. On other transcripts: non-coding transcript variant (1).
Genome position (GRCh38, 1-based): chr11:61,959,917, T>C. VCF-style: chr11-61959917-T-C. GRCh37 (hg19) VCF-style: chr11-61727389-T-C.
Other names: c.794T>C, p.Met265Thr (NM_001139443.3, NM_001300787.2); c.713T>C, p.Met238Thr (NM_001300786.2); c.656T>C, p.Met219Thr (NM_001363591.3); c.1177T>C, p.Cys393Arg (NM_001363592.2); c.2T>C, p.Met1Thr (NM_001363593.3); c.794T>C (NM_001139443.1); short protein forms C393R, M1T, M219T, M238T, M265T, M325T.
Identifiers: ClinVar variation 1065753 (VCV001065753.10), dbSNP rs368387447, ClinGen allele CA6040959.
Genomic context (GRCh38, chr11:61,959,917, plus strand): 5'-CTTTCTGTGGGACTTCTTCTGTCCCTGGTGACCAGGTGTCCCTGTTGGCTGTGGATGAGA[T>C]GCACCAGGACCTGCCTCGGATGGAGCCGGACATGTACTGGAATAAGCCCGAGCCACAGCC-3'
Protein context (NP_004174.1, residues 315-335): LQVSLLAVDE[Met325Thr]HQDLPRMEPD